The following is an entry in ClinVar:

ClinVar aggregate classification (germline): Uncertain significance (1 of 4 stars; one submission).

Submission:

Greenwood Genetic Center Diagnostic Laboratories, Greenwood Genetic Center
Classification: Uncertain significance. Last evaluated: 2021-11-29. Review status: criteria provided, single submitter. Criteria: ACMG Guidelines, 2015. Collection method: clinical testing. Allele origin: germline. Affected: yes.
Comment: PM2

NM_001318852.2(MAPK8IP3):c.3902_3918dup (p.Glu1307fs)

Gene: MAPK8IP3 (mitogen-activated protein kinase 8 interacting protein 3; plus strand). Cytogenetic location: 16p13.3.
Variant type: Duplication.
Coding change: c.3902_3918dup on transcript NM_001318852.2 (MANE Select); coding-DNA positions 3902 to 3918, 17 bases duplicated (AGGACGACGAGACGGAG).
Protein change: p.Glu1307fs; shifts the reading frame from glutamic acid 1307.
Molecular consequence: frameshift variant.
Genome position (GRCh38, 1-based): chr16:1,768,712-1,768,728, AGGACGACGAGACGGAG duplicated; duplicating any 17 consecutive bases within chr16:1,768,703-1,768,728 gives the same sequence; the c. name uses the placement nearest the transcript's 3' end. VCF-style (leftmost placement, unchanged base first): chr16-1768702-G-GGAGACGGAGAGGACGAC. GRCh37 (hg19) VCF-style: chr16-1818703-G-GGAGACGGAGAGGACGAC.
Other names: c.3881_3897dup, p.Glu1300fs (NM_001040439.2); c.3899_3915dup, p.Glu1306fs (NM_015133.5); short protein forms E1300fs, E1306fs, E1307fs.
Identifiers: ClinVar variation 1334666 (VCV001334666.4), dbSNP rs2042434284, ClinGen allele CA2573054154.